The following is an entry in ClinVar:

ClinVar aggregate classification (germline): Pathogenic/Likely pathogenic. Review status: criteria provided, multiple submitters, no conflicts (2 of 4 stars). 2 submissions from 2 submitters: Pathogenic (1); Likely pathogenic (1). Last evaluated 2024-04-11.

Conditions:
Generalized epilepsy with febrile seizures plus, type 2 (GEFSP2). Also called: GEFS+, TYPE 2. Identifiers: Orphanet 36387, MedGen C1858673, MONDO:0011461, OMIM 604403.
Migraine, familial hemiplegic, 3. Identifiers: Orphanet 569, MedGen C1864987, MONDO:0012320, OMIM 609634.
Severe myoclonic epilepsy in infancy (DRVT). Also called: Dravet syndrome; DEVELOPMENTAL AND EPILEPTIC ENCEPHALOPATHY 6A; Severe Myoclonic Epilepsy in Infancy (SMEI); Epileptic encephalopathy, early infantile, 6 (Dravet syndrome); SEVERE MYOCLONIC EPILEPSY OF INFANCY. Identifiers: Orphanet 33069, MedGen C0751122, MONDO:0100135, OMIM 607208.
Developmental and epileptic encephalopathy 6B. Also called: Developmental and epileptic encephalopathy 6B, non-Dravet. Identifiers: MedGen C5543353, MONDO:0030268, OMIM 619317.
Early-infantile DEE. Also called: Early infantile epileptic encephalopathy; Ohtahara syndrome; Early infantile epileptic encephalopathy with suppression bursts. Identifiers: Orphanet 1934, MedGen C0393706, MONDO:0800491.

Submissions (2):

Institute of Immunology and Genetics Kaiserslautern
Classification: Pathogenic for Generalized epilepsy with febrile seizures plus, type 2; Severe myoclonic epilepsy in infancy; Developmental and epileptic encephalopathy 6B; Migraine, familial hemiplegic, 3. Last evaluated: 2024-04-11. Review status: criteria provided, single submitter. Criteria: ACMG Guidelines, 2015. Collection method: clinical testing. Allele origin: germline. Affected: yes.
Comment: ACMG Criteria: PM2_P, PP3, PM1, PP5; Variant was found in heterozygous state

Labcorp Genetics (formerly Invitae), Labcorp
Classification: Likely pathogenic for Early-infantile DEE. Last evaluated: 2022-03-11. Review status: criteria provided, single submitter. Criteria: Invitae Variant Classification Sherloc (09022015). Collection method: clinical testing. Allele origin: germline.
Comment: In summary, the currently available evidence indicates that the variant is pathogenic, but additional data are needed to prove that conclusively. Therefore, this variant has been classified as Likely Pathogenic. Algorithms developed to predict the effect of missense changes on protein structure and function are either unavailable or do not agree on the potential impact of this missense change (SIFT: "Deleterious"; PolyPhen-2: "Probably Damaging"; Align-GVGD: "Class C0"). ClinVar contains an entry for this variant (Variation ID: 1057080). This missense change has been observed in individual(s) with clinical features of Dravet syndrome (Invitae). In at least one individual the variant was observed to be de novo. This variant is not present in population databases (gnomAD no frequency). This sequence change replaces leucine, which is neutral and non-polar, with proline, which is neutral and non-polar, at codon 390 of the SCN1A protein (p.Leu390Pro).

NM_001165963.4(SCN1A):c.1169T>C (p.Leu390Pro)

Gene: SCN1A (sodium voltage-gated channel alpha subunit 1; minus strand). Cytogenetic location: 2q24.3.
Variant type: single nucleotide variant.
Coding change: c.1169T>C on transcript NM_001165963.4 (MANE Select); coding-DNA position 1169, T replaced by C.
Protein change: p.Leu390Pro; replaces leucine 390 with proline.
Molecular consequence: missense variant. On other transcripts: 5 prime UTR variant (1), non-coding transcript variant (1).
Genome position (GRCh38, 1-based): chr2:166,047,628, A>G on the plus strand (T>C on the coding strand, the complement: SCN1A is on the minus strand). VCF-style: chr2-166047628-A-G. GRCh37 (hg19) VCF-style: chr2-166904138-A-G.
Other names: c.1169T>C, p.Leu390Pro (NM_001165964.3, NM_001202435.3, NM_001353948.2 and 10 more transcripts); c.-1257T>C (NM_001353961.2); short protein forms L390P.
Identifiers: ClinVar variation 1057080 (VCV001057080.12), dbSNP rs746413385, ClinGen allele CA349071063.